The following is an entry in ClinVar:

ClinVar aggregate classification (germline): Conflicting classifications of pathogenicity. Review status: criteria provided, conflicting classifications (1 of 4 stars). 4 submissions from 4 submitters: Uncertain significance (1); Likely benign (3). Last evaluated 2026-07-01.

Submissions (4):

CeGaT Center for Human Genetics Tuebingen
Classification: Likely benign. Last evaluated: 2026-07-01. Review status: criteria provided, single submitter. Criteria: CeGaT Center For Human Genetics Tuebingen Variant Classification Criteria Version 2. Collection method: clinical testing. Allele origin: germline. Affected: yes. Observed: 4 variant alleles.
Comment: KRT10: BS2

Blueprint Genetics
Classification: Likely benign. Last evaluated: 2024-11-27. Review status: criteria provided, single submitter. Criteria: ACMG Guidelines, 2015. Collection method: clinical testing. Allele origin: germline.

Labcorp Genetics (formerly Invitae), Labcorp
Classification: Uncertain significance. Last evaluated: 2023-08-04. Review status: criteria provided, single submitter. Criteria: Invitae Variant Classification Sherloc (09022015). Collection method: clinical testing. Allele origin: germline.
Comment: This variant, c.1683_1684ins90, results in the insertion of 30 amino acid(s) of the KRT10 protein (p.Gly565_His566ins30), but otherwise preserves the integrity of the reading frame. This variant is not present in population databases (gnomAD no frequency). This variant has not been reported in the literature in individuals affected with KRT10-related conditions. ClinVar contains an entry for this variant (Variation ID: 420788). Experimental studies and prediction algorithms are not available or were not evaluated, and the functional significance of this variant is currently unknown. In summary, the available evidence is currently insufficient to determine the role of this variant in disease. Therefore, it has been classified as a Variant of Uncertain Significance.

GeneDx
Classification: Likely benign. Last evaluated: 2016-03-23. Review status: criteria provided, single submitter. Criteria: GeneDx Variant Classification (06012015). Collection method: clinical testing. Allele origin: germline. Affected: yes.
Comment: This variant is considered likely benign or benign based on one or more of the following criteria: it is a conservative change, it occurs at a poorly conserved position in the protein, it is predicted to be benign by multiple in silico algorithms, and/or has population frequency not consistent with disease.

NM_000421.5(KRT10):c.1654AGCTCCGGCGGCGGATACGGCGGCGGCAGC[4] (p.556GYGGGSSSGG[4])

Gene: KRT10 (keratin 10; minus strand). Cytogenetic location: 17q21.2.
Variant type: Microsatellite.
Coding change: c.1654AGCTCCGGCGGCGGATACGGCGGCGGCAGC[4] on transcript NM_000421.5 (MANE Select); four copies in a row of the 30-base unit AGCTCCGGCGGCGGATACGGCGGCGGCAGC starting at c.1654.
Protein change: p.556GYGGGSSSGG[4].
Molecular consequence: inframe insertion.
Genome position: GRCh38, VCF-style position (the base before the change): chr17:40,818,851. GRCh37 (hg19), VCF-style position (the base before the change): chr17:38,975,103.
Other names: c.1654AGCTCCGGCGGCGGATACGGCGGCGGCAGC[4], p.556GYGGGSSSGG[4] (NM_001379366.1).
Identifiers: ClinVar variation 420788 (VCV000420788.13), dbSNP rs776920005, ClinGen allele CA16620404.